The following is an entry in ClinVar:

NM_001099403.2(PRDM8):c.2020T>C (p.Ser674Pro)

Gene: PRDM8 (PR/SET domain 8; plus strand). Cytogenetic location: 4q21.21.
Variant type: single nucleotide variant.
Coding change: c.2020T>C on transcript NM_001099403.2 (MANE Select); coding-DNA position 2020, T replaced by C.
Protein change: p.Ser674Pro; replaces serine 674 with proline.
Molecular consequence: missense variant.
Genome position (GRCh38, 1-based): chr4:80,203,482, T>C. VCF-style: chr4-80203482-T-C. GRCh37 (hg19) VCF-style: chr4-81124636-T-C.
Other names: c.2020T>C, p.Ser674Pro (NM_020226.4); short protein forms S674P.
Identifiers: ClinVar variation 840827 (VCV000840827.7), dbSNP rs750098513, ClinGen allele CA2982501.

ClinVar aggregate classification (germline): Uncertain significance (1 of 4 stars; one submission).

Conditions:
Early-onset Lafora body disease. Also called: Epilepsy, progressive myoclonic, 10. Identifiers: Orphanet 324290, MedGen C4225258, MONDO:0014717, OMIM 616640.

Allele frequency attached by ClinVar (database versions not stated): gnomAD exomes 0.00004; ExAC 0.00006.
gnomAD v4.1: 19 of 1,613,018 alleles (0.0012%); highest among the groups gnomAD compares: South Asian, 0.017%; no homozygotes.

Submission:

Labcorp Genetics (formerly Invitae), Labcorp
Classification: Uncertain significance for Early-onset Lafora body disease. Last evaluated: 2022-08-23. Review status: criteria provided, single submitter. Criteria: Invitae Variant Classification Sherloc (09022015). Collection method: clinical testing. Allele origin: germline.
Comment: This sequence change replaces serine, which is neutral and polar, with proline, which is neutral and non-polar, at codon 674 of the PRDM8 protein (p.Ser674Pro). In summary, the available evidence is currently insufficient to determine the role of this variant in disease. Therefore, it has been classified as a Variant of Uncertain Significance. Algorithms developed to predict the effect of missense changes on protein structure and function are either unavailable or do not agree on the potential impact of this missense change (SIFT: "Deleterious"; PolyPhen-2: "Possibly Damaging"; Align-GVGD: "Class C0"). ClinVar contains an entry for this variant (Variation ID: 840827). This variant has not been reported in the literature in individuals affected with PRDM8-related conditions. This variant is present in population databases (rs750098513, gnomAD 0.03%).